The following is an entry in ClinVar:

ClinVar aggregate classification (germline): Benign. Review status: criteria provided, multiple submitters, no conflicts (2 of 4 stars). 3 submissions from 3 submitters: Benign (3). Last evaluated 2024-12-10.

Allele frequency attached by ClinVar (database versions not stated): TOPMed 0.00154; 1000 Genomes Project 30x 0.00593; 1000 Genomes Project 0.00639; gnomAD exomes 0.00303 and 0.00107; ESP Exome Variant Server 0.00015; gnomAD 0.00099 and 0.00141; ExAC 0.00316.
gnomAD v4.1: 1,950 of 1,612,996 alleles (0.12%); highest among the groups gnomAD compares: East Asian, 3.4%; 31 homozygotes.

Submissions (3):

Mayo Clinic Laboratories, Mayo Clinic
Classification: Benign. Last evaluated: 2024-12-10. Review status: criteria provided, single submitter. Criteria: ACMG Guidelines, 2015. Collection method: clinical testing. Allele origin: germline. Observed: 1 variant allele.
Comment: BS1, BS2, BP4, BP7

Labcorp Genetics (formerly Invitae), Labcorp
Classification: Benign. Last evaluated: 2019-12-31. Review status: criteria provided, single submitter. Criteria: Invitae Variant Classification Sherloc (09022015). Collection method: clinical testing. Allele origin: germline.

Breakthrough Genomics
Classification: Benign. Review status: criteria provided, single submitter. Criteria: ACMG Guidelines, 2015. Collection method: not provided. Allele origin: germline. Inheritance: Unknown mechanism. Affected: yes.

NM_000930.5(PLAT):c.1539G>A (p.Ser513=)

Gene: PLAT (plasminogen activator, tissue type; minus strand). Cytogenetic location: 8p11.21.
Variant type: single nucleotide variant.
Coding change: c.1539G>A on transcript NM_000930.5 (MANE Select); coding-DNA position 1539, G replaced by A.
Protein change: p.Ser513=; no amino-acid change (serine 513 retained).
Molecular consequence: synonymous variant.
Genome position (GRCh38, 1-based): chr8:42,176,143, C>T on the plus strand (G>A on the coding strand, the complement: PLAT is on the minus strand). VCF-style: chr8-42176143-C-T. GRCh37 (hg19) VCF-style: chr8-42033661-C-T.
Other names: p.Ser513=; c.1272G>A, p.Ser424= (NM_001319189.2); c.1401G>A, p.Ser467= (NM_033011.4).
Identifiers: ClinVar variation 708039 (VCV000708039.6), dbSNP rs13306824, ClinGen allele CA4730936.